The following is an entry in ClinVar:

NM_004656.4(BAP1):c.1027C>T (p.Leu343Phe)

Gene: BAP1 (BRCA1 associated deubiquitinase 1; minus strand). Cytogenetic location: 3p21.1.
Variant type: single nucleotide variant.
Coding change: c.1027C>T on transcript NM_004656.4 (MANE Select); coding-DNA position 1027, C replaced by T.
Protein change: p.Leu343Phe; replaces leucine 343 with phenylalanine.
Molecular consequence: missense variant.
Genome position (GRCh38, 1-based): chr3:52,405,199, G>A on the plus strand (C>T on the coding strand, the complement: BAP1 is on the minus strand). VCF-style: chr3-52405199-G-A. GRCh37 (hg19) VCF-style: chr3-52439215-G-A.
Other names: short protein forms L343F.
Identifiers: ClinVar variation 1468428 (VCV001468428.10), dbSNP rs1060503734, ClinGen allele CA353105887.

ClinVar aggregate classification (germline): Uncertain significance. Review status: criteria provided, multiple submitters, no conflicts (2 of 4 stars). 2 submissions from 2 submitters: Uncertain significance (2). Last evaluated 2024-05-08.

Conditions:
BAP1-related tumor predisposition syndrome (TPDS1). Also called: COMMON Syndrome; BAP1 tumor predisposition syndrome; Tumor susceptibility linked to germline BAP1 mutations; TUMOR PREDISPOSITION SYNDROME 1. Identifiers: Orphanet 289539, MedGen C3280492, MONDO:0013692, OMIM 614327.
Hereditary cancer-predisposing syndrome. Also called: Tumor predisposition; Hereditary Cancer Syndrome; Hereditary neoplastic syndrome; Neoplastic Syndromes, Hereditary. Identifiers: Orphanet 140162, MedGen C0027672, MeSH D009386, MONDO:0015356.

Submissions (2):

Labcorp Genetics (formerly Invitae), Labcorp
Classification: Uncertain significance for BAP1-related tumor predisposition syndrome. Last evaluated: 2024-05-08. Review status: criteria provided, single submitter. Criteria: Invitae Variant Classification Sherloc (09022015). Collection method: clinical testing. Allele origin: germline.
Comment: This sequence change replaces leucine, which is neutral and non-polar, with phenylalanine, which is neutral and non-polar, at codon 343 of the BAP1 protein (p.Leu343Phe). This variant is not present in population databases (gnomAD no frequency). This variant has not been reported in the literature in individuals affected with BAP1-related conditions. ClinVar contains an entry for this variant (Variation ID: 1468428). Advanced modeling of protein sequence and biophysical properties (such as structural, functional, and spatial information, amino acid conservation, physicochemical variation, residue mobility, and thermodynamic stability) performed at Invitae indicates that this missense variant is not expected to disrupt BAP1 protein function with a negative predictive value of 80%. In summary, the available evidence is currently insufficient to determine the role of this variant in disease. Therefore, it has been classified as a Variant of Uncertain Significance.

Color Diagnostics, LLC DBA Color Health
Classification: Uncertain significance for Hereditary cancer-predisposing syndrome. Last evaluated: 2024-03-06. Review status: criteria provided, single submitter. Criteria: ACMG Guidelines, 2015. Collection method: clinical testing. Allele origin: germline.
Comment: This missense variant replaces leucine with phenylalanine at codon 343 of the BAP1 protein. Computational prediction suggests that this variant may not impact protein structure and function (internally defined REVEL score threshold <= 0.5, PMID: 27666373). To our knowledge, functional studies have not been reported for this variant. This variant has not been reported in individuals affected with hereditary cancer in the literature. This variant has not been identified in the general population by the Genome Aggregation Database (gnomAD). The available evidence is insufficient to determine the role of this variant in disease conclusively. Therefore, this variant is classified as a Variant of Uncertain Significance.